The following is an entry in ClinVar:

ClinVar aggregate classification (germline): Uncertain significance (1 of 4 stars; one submission).

Conditions:
Inborn genetic diseases. Identifiers: MedGen C0950123, MeSH D030342.

Submission:

Ambry Genetics
Classification: Uncertain significance for Inborn genetic diseases. Last evaluated: 2026-02-25. Review status: criteria provided, single submitter. Criteria: Ambry Variant Classification Scheme 2023. Collection method: clinical testing. Allele origin: germline.
Comment: The c.2651G>A (p.G884D) alteration is located in exon 21 (coding exon 20) of the PPFIA3 gene. This alteration results from a G to A substitution at nucleotide position 2651, causing the glycine (G) at amino acid position 884 to be replaced by an aspartic acid (D). This variant was not reported in population-based cohorts in the Genome Aggregation Database (gnomAD). This amino acid position is highly conserved in available vertebrate species. This missense variant is located in a region that has a low rate of benign missense variation (Lek, 2016; Firth, 2009). The in silico prediction for this alteration is inconclusive. Based on insufficient or conflicting evidence, the clinical significance of this alteration remains unclear.

NM_003660.4(PPFIA3):c.2651G>A (p.Gly884Asp)

Gene: PPFIA3 (PPFI scaffold protein A3; plus strand). Cytogenetic location: 19q13.33.
Variant type: single nucleotide variant.
Coding change: c.2651G>A on transcript NM_003660.4 (MANE Select); coding-DNA position 2651, G replaced by A.
Protein change: p.Gly884Asp; replaces glycine 884 with aspartic acid.
Molecular consequence: missense variant. On other transcripts: non-coding transcript variant (1).
Genome position (GRCh38, 1-based): chr19:49,142,910, G>A. VCF-style: chr19-49142910-G-A. GRCh37 (hg19) VCF-style: chr19-49646167-G-A.
Other names: short protein forms G884D.
Identifiers: ClinVar variation 4831640 (VCV004831640.1).